The following is an entry in ClinVar:

ClinVar aggregate classification (germline): Uncertain significance (1 of 4 stars; one submission).

Submission:

Labcorp Genetics (formerly Invitae), Labcorp
Classification: Uncertain significance. Last evaluated: 2026-01-02. Review status: criteria provided, single submitter. Criteria: Invitae Variant Classification Sherloc (09022015). Collection method: clinical testing. Allele origin: germline.
Comment: This sequence change replaces valine, which is neutral and non-polar, with isoleucine, which is neutral and non-polar, at codon 8 of the SEC61A1 protein (p.Val8Ile). This variant is not present in population databases (gnomAD no frequency). This variant has not been reported in the literature in individuals affected with SEC61A1-related conditions. Invitae Evidence Modeling of protein sequence and biophysical properties (such as structural, functional, and spatial information, amino acid conservation, physicochemical variation, residue mobility, and thermodynamic stability) indicates that this missense variant is not expected to disrupt SEC61A1 protein function with a negative predictive value of 80%. In summary, the available evidence is currently insufficient to determine the role of this variant in disease. Therefore, it has been classified as a Variant of Uncertain Significance.

NM_013336.4(SEC61A1):c.22G>A (p.Val8Ile)

Gene: SEC61A1 (SEC61 translocon subunit alpha 1; plus strand). Cytogenetic location: 3q21.3.
Variant type: single nucleotide variant.
Coding change: c.22G>A on transcript NM_013336.4 (MANE Select); coding-DNA position 22, G replaced by A.
Protein change: p.Val8Ile; replaces valine 8 with isoleucine.
Molecular consequence: missense variant. On other transcripts: intron variant (1).
Genome position (GRCh38, 1-based): chr3:128,052,849, G>A. VCF-style: chr3-128052849-G-A. GRCh37 (hg19) VCF-style: chr3-127771692-G-A.
Other names: c.40G>A, p.Val14Ile (NM_001400328.1); c.-85+290G>A (NM_001400329.1); short protein forms V14I, V8I.
Identifiers: ClinVar variation 4809134 (VCV004809134.1).